The following is an entry in ClinVar:

ClinVar aggregate classification (germline): Likely pathogenic (1 of 4 stars; one submission).

Submission:

GeneDx
Classification: Likely pathogenic. Last evaluated: 2025-02-06. Review status: criteria provided, single submitter. Criteria: GeneDx Variant Classification Process June 2021. Collection method: clinical testing. Allele origin: germline. Affected: yes.
Comment: Not observed at significant frequency in large population cohorts (gnomAD); In silico analysis supports that this missense variant has a deleterious effect on protein structure/function; Has not been previously published as pathogenic or benign to our knowledge; This variant is associated with the following publications: (PMID: 38558095)

NM_012193.4(FZD4):c.1130G>A (p.Cys377Tyr)

Genes: FZD4 (frizzled class receptor 4; minus strand), PRSS23 (serine protease 23; plus strand). Cytogenetic location: 11q14.2.
Variant type: single nucleotide variant.
Coding change: c.1130G>A on transcript NM_012193.4 (MANE Select); coding-DNA position 1130, G replaced by A.
Protein change: p.Cys377Tyr; replaces cysteine 377 with tyrosine.
Molecular consequence: missense variant. On other transcripts: non-coding transcript variant (2).
Genome position (GRCh38, 1-based): chr11:86,951,626, C>T on the plus strand (G>A on the coding strand, the complement: FZD4 is on the minus strand). VCF-style: chr11-86951626-C-T. GRCh37 (hg19) VCF-style: chr11-86662668-C-T.
Other names: short protein forms C377Y.
Identifiers: ClinVar variation 1310693 (VCV001310693.3), dbSNP rs2135040558, ClinGen allele CA382012948.
Genomic context (GRCh38, chr11:86,951,626, plus strand): 5'-GTAAAGAGGGGAGCCACCACGAACCCGGTGAGGGCATCGAGATTTTGGTTTCCAACATAG[C>T]ACAAGCCAGTCAGTTCATCTGCATCCACCAGTCTCATAATCAAGATGACAATGGTTTTCA-3'
Protein context (NP_036325.2, residues 367-387): LVDADELTGL[Cys377Tyr]YVGNQNLDAL